The following is an entry in ClinVar:

NM_152641.4(ARID2):c.1326dup (p.Ile443fs)

Gene: ARID2 (AT-rich interaction domain 2; plus strand). Cytogenetic location: 12q12.
Variant type: Duplication.
Coding change: c.1326dup on transcript NM_152641.4 (MANE Select); coding-DNA position 1326, one base duplicated (C; older notation c.1326dupC).
Protein change: p.Ile443fs; shifts the reading frame from isoleucine 443.
Molecular consequence: frameshift variant.
Genome position (GRCh38, 1-based): chr12:45,837,703, C duplicated. VCF-style (leftmost placement, unchanged base first): chr12-45837702-G-GC. GRCh37 (hg19) VCF-style: chr12-46231485-G-GC.
Other names: c.1326dup, p.Ile443fs (NM_001347839.2); short protein forms I443fs.
Identifiers: ClinVar variation 4998323 (VCV004998323.1).
Genomic context (GRCh38, chr12:45,837,702, plus strand): 5'-TATACATGCTCACGGAAATGGGAGATGTTGCTTGCACAAAAATTGCAAAAGTAGAAAAGA[G>GC]CATAGGTAAGACTGGACCAAAAAACACTTATTTTCTTTATTGAGTAAAAGTGTTTAATAT-3'

ClinVar aggregate classification (germline): Likely pathogenic (1 of 4 stars; one submission).

Conditions:
ARID2-related disorder. Also called: ARID2-related condition.

Submission:

PreventionGenetics, part of Exact Sciences
Classification: Likely pathogenic for ARID2-related condition. Last evaluated: 2025-02-05. Review status: criteria provided, single submitter. Criteria: ACMG Guidelines, 2015. Collection method: clinical testing. Allele origin: germline.
Comment: The ARID2 c.1326dupC variant is predicted to result in a frameshift and premature protein termination (p.Ile443Hisfs*18). To our knowledge, this variant has not been reported in the literature or in a large population database (gnomAD), indicating this variant is rare. Frameshift variants in ARID2 are an established mechanism of disease. This variant is interpreted as likely pathogenic.